The following is an entry in ClinVar:

NM_001080517.3(SETD5):c.2474dup (p.Asp826fs)

Gene: SETD5 (SET domain containing 5; plus strand). Cytogenetic location: 3p25.3.
Variant type: Duplication.
Coding change: c.2474dup on transcript NM_001080517.3 (MANE Select); coding-DNA position 2474, one base duplicated (C; older notation c.2474dupC).
Protein change: p.Asp826fs; shifts the reading frame from aspartic acid 826.
Molecular consequence: frameshift variant.
Genome position (GRCh38, 1-based): chr3:9,453,866, C duplicated. VCF-style (leftmost placement, unchanged base first): chr3-9453865-G-GC. GRCh37 (hg19) VCF-style: chr3-9495549-G-GC.
Other names: c.2180dup, p.Asp728fs (NM_001292043.2, NM_001349451.2); short protein forms D728fs, D826fs.
Identifiers: ClinVar variation 2273594 (VCV002273594.2), dbSNP rs2473187772, ClinGen allele CA2580070682.

ClinVar aggregate classification (germline): Pathogenic (1 of 4 stars; one submission).

Conditions:
Inborn genetic diseases. Identifiers: MedGen C0950123, MeSH D030342.

Submission:

Ambry Genetics
Classification: Pathogenic for Inborn genetic diseases. Last evaluated: 2022-02-25. Review status: criteria provided, single submitter. Criteria: Ambry Variant Classification Scheme 2023. Collection method: clinical testing. Allele origin: germline.
Comment: The c.2474dupC (p.D826Rfs*74) alteration, located in exon 17 (coding exon 15) of the SETD5 gene, consists of a duplication of C at position 2474, causing a translational frameshift with a predicted alternate stop codon after 74 amino acids. This alteration is expected to result in loss of function by premature protein truncation or nonsense-mediated mRNA decay. This variant was not reported in population-based cohorts in the Genome Aggregation Database (gnomAD). Based on the available evidence, this alteration is classified as pathogenic.